The following is an entry in ClinVar:

ClinVar aggregate classification (germline): Uncertain significance (1 of 4 stars; one submission).

Allele frequency attached by ClinVar (database versions not stated): gnomAD exomes below 0.00001.

Submission:

Labcorp Genetics (formerly Invitae), Labcorp
Classification: Uncertain significance. Last evaluated: 2023-09-30. Review status: criteria provided, single submitter. Criteria: Invitae Variant Classification Sherloc (09022015). Collection method: clinical testing. Allele origin: germline.
Comment: In summary, the available evidence is currently insufficient to determine the role of this variant in disease. Therefore, it has been classified as a Variant of Uncertain Significance. An algorithm developed to predict the effect of missense changes on protein structure and function (PolyPhen-2) suggests that this variant is likely to be tolerated. This variant has not been reported in the literature in individuals affected with ARHGEF1-related conditions. This variant is not present in population databases (gnomAD no frequency). This sequence change replaces threonine, which is neutral and polar, with isoleucine, which is neutral and non-polar, at codon 381 of the ARHGEF1 protein (p.Thr381Ile).

NM_004706.4(ARHGEF1):c.1097C>T (p.Thr366Ile)

Gene: ARHGEF1 (Rho guanine nucleotide exchange factor 1; plus strand). Cytogenetic location: 19q13.2.
Variant type: single nucleotide variant.
Coding change: c.1097C>T on transcript NM_004706.4 (MANE Select); coding-DNA position 1097, C replaced by T.
Protein change: p.Thr366Ile; replaces threonine 366 with isoleucine.
Molecular consequence: missense variant. On other transcripts: non-coding transcript variant (2).
Genome position (GRCh38, 1-based): chr19:41,896,458, C>T. VCF-style: chr19-41896458-C-T. GRCh37 (hg19) VCF-style: chr19-42400531-C-T.
Other names: c.1097C>T, p.Thr366Ile (NM_001396000.1, NM_001396003.1, NM_001396006.1); c.998C>T, p.Thr333Ile (NM_001396002.1, NM_001396004.1, NM_198977.2); c.1142C>T, p.Thr381Ile (NM_199002.2); short protein forms T333I, T366I, T381I.
Identifiers: ClinVar variation 2764734 (VCV002764734.3), dbSNP rs2513827595, ClinGen allele CA406056180.
Genomic context (GRCh38, chr19:41,896,458, plus strand): 5'-TGGGGGACTCATCCCCGCAGGGCCCAATGAGCCTGGAGTCCTTGGCGCCCCCAGAGAGTA[C>T]CGACGAGGGGGCCGAAACCGAGAGGTGCCCAGGCTGGGGTGCAGGGGCGGGAGGTGTGGC-3'
Protein context (NP_004697.2, residues 356-376): SLESLAPPES[Thr366Ile]DEGAETESPE